The following is an entry in ClinVar:

ClinVar aggregate classification (germline): Conflicting classifications of pathogenicity. Review status: criteria provided, conflicting classifications (1 of 4 stars). 2 submissions from 2 submitters: Pathogenic (1); Uncertain significance (1). Last evaluated 2025-07-22.

Conditions:
Supravalvar aortic stenosis (SVAS). Also called: Supravalvar aortic stenosis, Eisenberg type. Identifiers: Orphanet 3193, MedGen C0003499, MONDO:0008504, OMIM 185500, HP:0004381.

Submissions (2):

Labcorp Genetics (formerly Invitae), Labcorp
Classification: Uncertain significance for Supravalvar aortic stenosis. Last evaluated: 2025-07-22. Review status: criteria provided, single submitter. Criteria: Invitae Variant Classification Sherloc (09022015). Collection method: clinical testing. Allele origin: germline.
Comment: This sequence change replaces glycine, which is neutral and non-polar, with glutamine, which is neutral and polar, at codon 610 of the ELN protein (p.Gly610Gln). Information on the frequency of this variant in the gnomAD database is not available, as this variant may be reported differently in the database. This missense change has been observed in individual(s) with supravalvular aortic stenosis (PMID: 11175284). ClinVar contains an entry for this variant (Variation ID: 1197278). Experimental studies and prediction algorithms are not available or were not evaluated, and the functional significance of this variant is currently unknown. In summary, the available evidence is currently insufficient to determine the role of this variant in disease. Therefore, it has been classified as a Variant of Uncertain Significance.

GeneDx
Classification: Pathogenic. Last evaluated: 2025-04-17. Review status: criteria provided, single submitter. Criteria: GeneDx Variant Classification Process June 2021. Collection method: clinical testing. Allele origin: germline. Affected: yes.
Comment: Reported in association with supravalvular aortic stenosis (SVAS) in the published literature; also described as 1828delGGinsCA or 1828G>C and/or 1829G>A due to alternative nomenclature (PMID: 11735026, 11175284, 12016585); Segregates with disease in multiple affected individuals from a single large family of German descent; of note, in this family c.1741_1742delGGinsCA was present in cis with c.1034_1057dup24 (referred to as 1034-1057dup) and one unaffected individual was identified to have a recombination event that led to heterozygosity for the c.1034_1057dup24 variant, but not the c.1741_1742delGGinsCA variant (PMID: 11735026, 7977109); Published functional studies demonstrate that c.1742_1743delGGinsCA causes aberrant splicing due to creation of a new splice donor site 4 nucleotides upstream of the natural splice donor site; additional studies confirmed lack of expression of the variant allele due to nonsense-mediated-decay and reduced tropoelastin secretion in cultured fibroblasts (PMID: 11735026); Not observed at significant frequency in large population cohorts (gnomAD); This variant is associated with the following publications: (PMID: 12016585, 7977109, 11735026, 11175284)

Literature cited by the submitters: PubMed 11175284 (cited by Labcorp Genetics (formerly Invitae), Labcorp).

NM_000501.4(ELN):c.1741_1742delinsCA (p.Gly581Gln)

Genes: ELN (elastin; plus strand), ELN-AS1 (ELN antisense RNA 1; minus strand). Cytogenetic location: 7q11.23.
Variant type: Indel.
Coding change: c.1741_1742delinsCA on transcript NM_000501.4 (MANE Select); coding-DNA positions 1741 to 1742, GG replaced by CA.
Protein change: p.Gly581Gln; replaces glycine 581 with glutamine.
Molecular consequence: missense variant.
Genome position (GRCh38, 1-based): chr7:74,060,495-74,060,496, GG replaced by CA. VCF-style: chr7-74060495-GG-CA. GRCh37 (hg19) VCF-style: chr7-73474825-GG-CA.
Other names: c.1741_1742delGGinsCA (NM_000501.2); c.1741_1742delinsCA (NM_000501.2); c.1654_1655delinsCA, p.Gly552Gln (NM_001081752.3); c.1699_1700delinsCA, p.Gly567Gln (NM_001081753.3); c.1756_1757delinsCA, p.Gly586Gln (NM_001081754.3); c.1684_1685delinsCA, p.Gly562Gln (NM_001081755.3); c.1741_1742delinsCA, p.Gly581Gln (NM_001278912.2); c.1498_1499delinsCA, p.Gly500Gln (NM_001278913.2); and 6 more; short protein forms G492Q, G500Q, G533Q, G552Q, G557Q, G562Q, G567Q, G571Q.
Identifiers: ClinVar variation 1197278 (VCV001197278.4), dbSNP rs2132323982, ClinGen allele CA2499219011.
Genomic context (GRCh38, chr7:74,060,495, plus strand): 5'-GGACTTGGAGTTGGTGCTGGTGTTCCTGGACTTGGAGTTGGTGCTGGTGTTCCTGGCTTC[GG>CA]GGCAGGTGCAGATGAGGGAGTTAGGCGGAGCCTGTCCCCTGAGCTCAGGGAAGGAGATCC-3'
Protein context (NP_000492.2, residues 571-591): LGVGAGVPGF[Gly581Gln]AVPGALAAAK